The following is an entry in ClinVar:

ClinVar aggregate classification (germline): Uncertain significance (1 of 4 stars; one submission).

Conditions:
Long QT syndrome (LQTS). Identifiers: MedGen C0023976, MeSH D008133, MONDO:0002442. Disease mechanism: loss of function. Inheritance: Various modes of inheritance.

Submission:

Labcorp Genetics (formerly Invitae), Labcorp
Classification: Uncertain significance for Long QT syndrome. Last evaluated: 2022-09-27. Review status: criteria provided, single submitter. Criteria: Invitae Variant Classification Sherloc (09022015). Collection method: clinical testing. Allele origin: germline.
Comment: In summary, the available evidence is currently insufficient to determine the role of this variant in disease. Therefore, it has been classified as a Variant of Uncertain Significance. Algorithms developed to predict the effect of missense changes on protein structure and function (SIFT, PolyPhen-2, Align-GVGD) all suggest that this variant is likely to be tolerated. ClinVar contains an entry for this variant (Variation ID: 526992). This variant has not been reported in the literature in individuals affected with AKAP9-related conditions. This variant is not present in population databases (gnomAD no frequency). This sequence change replaces threonine, which is neutral and polar, with alanine, which is neutral and non-polar, at codon 927 of the AKAP9 protein (p.Thr927Ala).

NM_005751.5(AKAP9):c.2779A>G (p.Thr927Ala)

Gene: AKAP9 (A-kinase anchoring protein 9; plus strand). Cytogenetic location: 7q21.2.
Variant type: single nucleotide variant.
Coding change: c.2779A>G on transcript NM_005751.5 (MANE Select); coding-DNA position 2779, A replaced by G.
Protein change: p.Thr927Ala; replaces threonine 927 with alanine.
Molecular consequence: missense variant.
Genome position (GRCh38, 1-based): chr7:92,002,696, A>G. VCF-style: chr7-92002696-A-G. GRCh37 (hg19) VCF-style: chr7-91632010-A-G.
Other names: c.2779A>G, p.Thr927Ala (NM_147185.3); short protein forms T927A.
Identifiers: ClinVar variation 526992 (VCV000526992.8), dbSNP rs1554405190, ClinGen allele CA368124912.